The following is an entry in ClinVar:

NM_002163.4(IRF8):c.9C>G (p.Asp3Glu)

Gene: IRF8 (interferon regulatory factor 8; plus strand). Cytogenetic location: 16q24.1.
Variant type: single nucleotide variant.
Coding change: c.9C>G on transcript NM_002163.4 (MANE Select); coding-DNA position 9, C replaced by G.
Protein change: p.Asp3Glu; replaces aspartic acid 3 with glutamic acid.
Molecular consequence: missense variant. On other transcripts: 5 prime UTR variant (1).
Genome position (GRCh38, 1-based): chr16:85,903,024, C>G. VCF-style: chr16-85903024-C-G. GRCh37 (hg19) VCF-style: chr16-85936630-C-G.
Other names: c.9C>G (LRG_294t1); c.39C>G, p.Asp13Glu (NM_001363907.1); c.-498C>G (NM_001363908.1); short protein forms D3E, D13E.
Identifiers: ClinVar variation 265520 (VCV000265520.2), dbSNP rs886039596, ClinGen allele CA10588628.

ClinVar aggregate classification (germline): Uncertain significance (1 of 4 stars; one submission).

Submission:

GeneDx
Classification: Uncertain significance. Last evaluated: 2018-05-15. Review status: criteria provided, single submitter. Criteria: GeneDx Variant Classification (06012015). Collection method: clinical testing. Allele origin: germline. Affected: yes.
Comment: The D3E variant in the IRF8 gene has not been reported previously as a pathogenic variant, nor as a benign variant, to our knowledge. This variant is not observed in large population cohorts (Lek et al., 2016). The D3E variant is a conservative amino acid substitution, which is not likely to impact secondary protein structure as these residues share similar properties. In-silico analyses, including protein predictors and evolutionary conservation, support that this variant does not alter protein structure/function. We interpret D3E as a variant of uncertain significance.